The following is an entry in ClinVar:

ClinVar aggregate classification (germline): Uncertain significance. Review status: criteria provided, multiple submitters, no conflicts (2 of 4 stars). 2 submissions from 2 submitters: Uncertain significance (2). Last evaluated 2024-06-18.

Conditions:
Epilepsy, childhood absence, susceptibility to, 6. Identifiers: Orphanet 64280, MedGen C2749872, MONDO:0012763, OMIM 611942.
Hyperaldosteronism, familial, type IV (HALD4). Also called: FH IV; ALDOSTERONISM, PRIMARY, AND HYPERTENSION. Identifiers: Orphanet 642671, MedGen C4310756, MONDO:0014875, OMIM 617027.
Idiopathic generalized epilepsy. Also called: Generalised epilepsy; EIG. Identifiers: MedGen C0270850, MONDO:0005579, OMIM 600669.

gnomAD v4.1: 2 of 1,605,490 alleles (0.00012%); highest among the groups gnomAD compares: African/African-American, 0.0027%; no homozygotes.

Submissions (2):

Labcorp Genetics (formerly Invitae), Labcorp
Classification: Uncertain significance for Idiopathic generalized epilepsy; Hyperaldosteronism, familial, type IV. Last evaluated: 2024-06-18. Review status: criteria provided, single submitter. Criteria: Invitae Variant Classification Sherloc (09022015). Collection method: clinical testing. Allele origin: germline.
Comment: This sequence change replaces threonine, which is neutral and polar, with isoleucine, which is neutral and non-polar, at codon 1790 of the CACNA1H protein (p.Thr1790Ile). This variant is not present in population databases (gnomAD no frequency). This variant has not been reported in the literature in individuals affected with CACNA1H-related conditions. Advanced modeling of protein sequence and biophysical properties (such as structural, functional, and spatial information, amino acid conservation, physicochemical variation, residue mobility, and thermodynamic stability) performed at Invitae indicates that this missense variant is expected to disrupt CACNA1H protein function with a positive predictive value of 80%. In summary, the available evidence is currently insufficient to determine the role of this variant in disease. Therefore, it has been classified as a Variant of Uncertain Significance.

Fulgent Genetics
Classification: Uncertain significance for Epilepsy, childhood absence, susceptibility to, 6; Hyperaldosteronism, familial, type IV. Last evaluated: 2024-02-07. Review status: criteria provided, single submitter. Criteria: ACMG Guidelines, 2015. Collection method: clinical testing. Allele origin: germline.

NM_021098.3(CACNA1H):c.5369C>T (p.Thr1790Ile)

Gene: CACNA1H (calcium voltage-gated channel subunit alpha1 H; plus strand). Cytogenetic location: 16p13.3.
Variant type: single nucleotide variant.
Coding change: c.5369C>T on transcript NM_021098.3 (MANE Select); coding-DNA position 5369, C replaced by T.
Protein change: p.Thr1790Ile; replaces threonine 1790 with isoleucine.
Molecular consequence: missense variant.
Genome position (GRCh38, 1-based): chr16:1,217,964, C>T. VCF-style: chr16-1217964-C-T. GRCh37 (hg19) VCF-style: chr16-1267964-C-T.
Other names: c.5351C>T, p.Thr1784Ile (NM_001005407.2); short protein forms T1784I, T1790I.
Identifiers: ClinVar variation 3578394 (VCV003578394.3), dbSNP rs1970169663.
Genomic context (GRCh38, chr16:1,217,964, plus strand): 5'-TCTCCCTCCCCGCAGAGTGCAGTGAAGACAACCCCTGCGAGGGCCTGAGCAGGCACGCCA[C>T]CTTCAGCAACTTCGGCATGGCCTTCCTCACGCTGTTCCGCGTGTCCACGGGGGACAACTG-3'
Protein context (NP_066921.2, residues 1780-1800): NPCEGLSRHA[Thr1790Ile]FSNFGMAFLT